The following is an entry in ClinVar:

ClinVar aggregate classification (germline): Uncertain significance (1 of 4 stars; one submission).

Conditions:
Spondylodysplastic Ehlers-Danlos syndrome. Identifiers: Orphanet 536471, Orphanet 75496, MedGen C5680154, MONDO:0007526.
Ehlers-Danlos syndrome, spondylodysplastic type, 1 (EDSSPD1). Also called: DERMATAN SULFATE PROTEOGLYCAN; EHLERS-DANLOS SYNDROME, PROGEROID TYPE, 1; GALACTOSYLTRANSFERASE I DEFICIENCY; PDS, DEFECTIVE BIOSYNTHESIS OF; XGPT DEFICIENCY; XYLOSYLPROTEIN 4-BETA-GALACTOSYLTRANSFERASE DEFICIENCY. Identifiers: Orphanet 75496, MedGen C4552003, MONDO:0020682, OMIM 130070.

Submission:

Labcorp Genetics (formerly Invitae), Labcorp
Classification: Uncertain significance for Spondylodysplastic Ehlers-Danlos syndrome. Last evaluated: 2022-04-19. Review status: criteria provided, single submitter. Criteria: Invitae Variant Classification Sherloc (09022015). Collection method: clinical testing. Allele origin: germline.
Comment: This sequence change replaces glycine, which is neutral and non-polar, with valine, which is neutral and non-polar, at codon 91 of the B4GALT7 protein (p.Gly91Val). Information on the frequency of this variant in the gnomAD database is not available, as this variant may be reported differently in the database. This variant has not been reported in the literature in individuals affected with B4GALT7-related conditions. Algorithms developed to predict the effect of missense changes on protein structure and function are either unavailable or do not agree on the potential impact of this missense change (SIFT: "Not Available"; PolyPhen-2: "Probably Damaging"; Align-GVGD: "Not Available"). In summary, the available evidence is currently insufficient to determine the role of this variant in disease. Therefore, it has been classified as a Variant of Uncertain Significance.

NM_007255.3(B4GALT7):c.272_273delinsTT (p.Gly91Val)

Gene: B4GALT7 (beta-1,4-galactosyltransferase 7; plus strand). Cytogenetic location: 5q35.3.
Variant type: Indel.
Coding change: c.272_273delinsTT on transcript NM_007255.3 (MANE Select); coding-DNA positions 272 to 273, GC replaced by TT.
Protein change: p.Gly91Val; replaces glycine 91 with valine.
Molecular consequence: missense variant.
Genome position (GRCh38, 1-based): chr5:177,604,400-177,604,401, GC replaced by TT. VCF-style: chr5-177604400-GC-TT. GRCh37 (hg19) VCF-style: chr5-177031401-GC-TT.
Other names: c.272_273delinsTT (NM_007255.2); short protein forms G91V.
Identifiers: ClinVar variation 1417330 (VCV001417330.4), dbSNP rs2127511623, ClinGen allele CA2573139403.
Genomic context (GRCh38, chr5:177,604,400, plus strand): 5'-CTCCCCGTGCCTGCCCCCCAGAGCCGCCCCCTGAGCACTGGGAAGAAGACGCATCCTGGG[GC>TT]CCCCACCGCCTGGCAGTGCTGGTGCCCTTCCGCGAACGCTTCGAGGAGCTCCTGGTCTTC-3'
Protein context (NP_009186.1, residues 81-101): PEHWEEDASW[Gly91Val]PHRLAVLVPF